The following is an entry in ClinVar:

ClinVar aggregate classification (germline): Likely pathogenic (1 of 4 stars; one submission).

Submission:

ARUP Laboratories, Molecular Genetics and Genomics, ARUP Laboratories
Classification: Likely pathogenic. Last evaluated: 2025-03-07. Review status: criteria provided, single submitter. Criteria: ARUP Molecular Germline Variant Investigation Process 2024. Collection method: clinical testing. Allele origin: germline.
Comment: The SPTB c.3265_3266dup; p.Met1089IlefsTer variant, to our knowledge, is not reported in the medical literature or gene specific databases. This variant is also absent from the Genome Aggregation Database (v2.1.1), indicating it is not a common polymorphism. This variant causes a frameshift by inserting 2 nucleotides, so it is predicted to result in a truncated protein or mRNA subject to nonsense-mediated decay. Based on available information, this variant is considered to be likely pathogenic.

NM_001355436.2(SPTB):c.3265_3266dup (p.Met1089fs)

Gene: SPTB (spectrin beta, erythrocytic; minus strand). Cytogenetic location: 14q23.3.
Variant type: Duplication.
Coding change: c.3265_3266dup on transcript NM_001355436.2 (MANE Select); coding-DNA positions 3265 to 3266, 2 bases duplicated (AT; older notation c.3265_3266dupAT).
Protein change: p.Met1089fs; shifts the reading frame from methionine 1089.
Molecular consequence: frameshift variant.
Genome position (GRCh38, 1-based): chr14:64,786,699-64,786,700, AT duplicated on the plus strand (AT on the coding strand, the reverse complement: SPTB is on the minus strand). VCF-style (leftmost placement, unchanged base first): chr14-64786698-C-CAT. GRCh37 (hg19) VCF-style: chr14-65253416-C-CAT.
Other names: c.3265_3266dup, p.Met1089fs (NM_001024858.4, NM_001355437.2); short protein forms M1089fs.
Identifiers: ClinVar variation 4685670 (VCV004685670.1).
Genomic context (GRCh38, chr14:64,786,698, plus strand): 5'-CTCATCCTTGATACCTGCATGCTGCTGCAGGAGCTGCTCAGCCTCTGGGAGGGATTCGGG[C>CAT]ATGTCCTCAGAGGCCACAGCCTTCTGGGTGATGGAGAGCCAGGCCTGGAAGTCATCCAGA-3'